The following is an entry in ClinVar:

NC_000006.11:g.(?_123851631)_(123851730_?)del

Gene: TRDN (triadin; minus strand). Cytogenetic location: 6q22.31.
Variant type: Deletion.
Identifiers: ClinVar variation 2425502 (VCV002425502.3).

ClinVar aggregate classification (germline): Uncertain significance (1 of 4 stars; one submission).

Conditions:
Catecholaminergic polymorphic ventricular tachycardia 1. Also called: VENTRICULAR TACHYCARDIA, CATECHOLAMINERGIC POLYMORPHIC, 1, WITH OR WITHOUT ATRIAL DYSFUNCTION AND/OR DILATED CARDIOMYOPATHY; RYR2-Related Catecholaminergic Polymorphic Ventricular Tachycardia; VENTRICULAR TACHYCARDIA, STRESS-INDUCED POLYMORPHIC 1. Identifiers: Orphanet 3286, MedGen C1631597, MONDO:0011484, OMIM 604772.

Submission:

Labcorp Genetics (formerly Invitae), Labcorp
Classification: Uncertain significance for Catecholaminergic polymorphic ventricular tachycardia 1. Last evaluated: 2022-08-09. Review status: criteria provided, single submitter. Criteria: Invitae Variant Classification Sherloc (09022015). Collection method: clinical testing. Allele origin: germline.
Comment: This variant is a gross deletion of the genomic region encompassing exon(s) 5 of the TRDN gene. This variant would be expected to be in-frame, preserving the integrity of the reading frame. This variant has not been reported in the literature in individuals affected with TRDN-related conditions. Experimental studies and prediction algorithms are not available or were not evaluated, and the functional significance of this variant is currently unknown. In summary, the available evidence is currently insufficient to determine the role of this variant in disease. Therefore, it has been classified as a Variant of Uncertain Significance.